The following is an entry in ClinVar:

NM_001206927.2(DNAH8):c.13052G>A (p.Arg4351Lys)

Gene: DNAH8 (dynein axonemal heavy chain 8; plus strand). Cytogenetic location: 6p21.2.
Variant type: single nucleotide variant.
Coding change: c.13052G>A on transcript NM_001206927.2 (MANE Select); coding-DNA position 13052, G replaced by A.
Protein change: p.Arg4351Lys; replaces arginine 4351 with lysine.
Molecular consequence: missense variant.
Genome position (GRCh38, 1-based): chr6:38,984,306, G>A. VCF-style: chr6-38984306-G-A. GRCh37 (hg19) VCF-style: chr6-38952082-G-A.
Other names: c.12401G>A, p.Arg4134Lys (NM_001371.4); short protein forms R4134K, R4351K.
Identifiers: ClinVar variation 2193566 (VCV002193566.4), dbSNP rs760440338, ClinGen allele CA3791537.

ClinVar aggregate classification (germline): Uncertain significance (1 of 4 stars; one submission).

Conditions:
Primary ciliary dyskinesia. Also called: Ciliary dyskinesia. Identifiers: Orphanet 244, MedGen C0008780, MONDO:0016575, HP:0012265.

Allele frequency attached by ClinVar (database versions not stated): TOPMed below 0.00001; gnomAD 0.00001; gnomAD exomes 0.00001; ExAC 0.00003.
gnomAD v4.1: 4 of 1,585,180 alleles (0.00025%); highest among the groups gnomAD compares: Admixed American, 0.005%; no homozygotes.

Submission:

Labcorp Genetics (formerly Invitae), Labcorp
Classification: Uncertain significance for Primary ciliary dyskinesia. Last evaluated: 2025-09-15. Review status: criteria provided, single submitter. Criteria: Invitae Variant Classification Sherloc (09022015). Collection method: clinical testing. Allele origin: germline.
Comment: This sequence change replaces arginine, which is basic and polar, with lysine, which is basic and polar, at codon 4351 of the DNAH8 protein (p.Arg4351Lys). This variant is present in population databases (rs760440338, gnomAD 0.009%). This variant has not been reported in the literature in individuals affected with DNAH8-related conditions. ClinVar contains an entry for this variant (Variation ID: 2193566). Experimental studies and prediction algorithms are not available or were not evaluated, and the functional significance of this variant is currently unknown. In summary, the available evidence is currently insufficient to determine the role of this variant in disease. Therefore, it has been classified as a Variant of Uncertain Significance.